The following is an entry in ClinVar:

NM_000051.4(ATM):c.7724C>A (p.Pro2575Gln)

Genes: ATM (ATM serine/threonine kinase; plus strand), C11orf65 (chromosome 11 open reading frame 65; minus strand). Cytogenetic location: 11q22.3.
Variant type: single nucleotide variant.
Coding change: c.7724C>A on transcript NM_000051.4 (MANE Select); coding-DNA position 7724, C replaced by A.
Protein change: p.Pro2575Gln; replaces proline 2575 with glutamine.
Molecular consequence: missense variant. On other transcripts: intron variant (2).
Genome position (GRCh38, 1-based): chr11:108,331,973, C>A. VCF-style: chr11-108331973-C-A. GRCh37 (hg19) VCF-style: chr11-108202700-C-A.
Other names: c.7724C>A, p.Pro2575Gln (NM_001351834.2); c.641-22902G>T (NM_001330368.2); c.*38+3247G>T (NM_001351110.2); short protein forms P2575Q.
Identifiers: ClinVar variation 827222 (VCV000827222.13), dbSNP rs1591172186, ClinGen allele CA382561090.

ClinVar aggregate classification (germline): Uncertain significance. Review status: criteria provided, multiple submitters, no conflicts (2 of 4 stars). 2 submissions from 2 submitters: Uncertain significance (2). Last evaluated 2020-10-15.

Conditions:
Hereditary cancer-predisposing syndrome. Also called: Tumor predisposition; Neoplastic Syndromes, Hereditary; Hereditary Cancer Syndrome; Hereditary neoplastic syndrome. Identifiers: Orphanet 140162, MedGen C0027672, MeSH D009386, MONDO:0015356.
Ataxia-telangiectasia syndrome (AT). Also called: ATAXIA-TELANGIECTASIA, COMPLEMENTATION GROUP A; ATAXIA-TELANGIECTASIA, FRESNO VARIANT; Ataxia-telangiectasia; Ataxia-telangiectasia, complementation group D; AT, COMPLEMENTATION GROUP C; Ataxia-telangiectasia, complementation group E. Identifiers: Orphanet 100, MedGen C0004135, MONDO:0008840, OMIM 208900.

Allele frequency attached by ClinVar (database versions not stated): gnomAD exomes below 0.00001.
gnomAD v4.1: 1 of 1,613,960 alleles (0.000062%); highest among the groups gnomAD compares: Non-Finnish European, 0.000085%; no homozygotes.

Submissions (2):

Labcorp Genetics (formerly Invitae), Labcorp
Classification: Uncertain significance for Ataxia-telangiectasia syndrome. Last evaluated: 2020-10-15. Review status: criteria provided, single submitter. Criteria: Invitae Variant Classification Sherloc (09022015). Collection method: clinical testing. Allele origin: germline.
Comment: In summary, the available evidence is currently insufficient to determine the role of this variant in disease. Therefore, it has been classified as a Variant of Uncertain Significance. Algorithms developed to predict the effect of missense changes on protein structure and function (SIFT, PolyPhen-2, Align-GVGD) all suggest that this variant is likely to be tolerated, but these predictions have not been confirmed by published functional studies and their clinical significance is uncertain. This variant has not been reported in the literature in individuals with ATM-related conditions. ClinVar contains an entry for this variant (Variation ID: 827222). This variant is not present in population databases (ExAC no frequency). This sequence change replaces proline with glutamine at codon 2575 of the ATM protein (p.Pro2575Gln). The proline residue is weakly conserved and there is a moderate physicochemical difference between proline and glutamine.

Ambry Genetics
Classification: Uncertain significance for Hereditary cancer-predisposing syndrome. Last evaluated: 2019-04-29. Review status: criteria provided, single submitter. Criteria: Ambry Variant Classification Scheme 2023. Collection method: clinical testing. Allele origin: germline.
Comment: The p.P2575Q variant (also known as c.7724C>A), located in coding exon 51 of the ATM gene, results from a C to A substitution at nucleotide position 7724. The proline at codon 2575 is replaced by glutamine, an amino acid with similar properties. This amino acid position is well conserved in available vertebrate species. In addition, this alteration is predicted to be tolerated by in silico analysis. Since supporting evidence is limited at this time, the clinical significance of this alteration remains unclear.